The following is an entry in ClinVar:

NM_019032.6(ADAMTSL4):c.816_817del (p.Gly273fs)

Genes: ADAMTSL4 (ADAMTS like 4; plus strand), ADAMTSL4-AS2 (ADAMTSL4 antisense RNA 2; minus strand). Cytogenetic location: 1q21.2.
Variant type: Deletion.
Coding change: c.816_817del on transcript NM_019032.6 (MANE Select); coding-DNA positions 816 to 817, 2 bases deleted (TG; older notation c.816_817delTG).
Protein change: p.Gly273fs; shifts the reading frame from glycine 273.
Molecular consequence: frameshift variant.
Genome position (GRCh38, 1-based): chr1:150,553,807-150,553,808, TG deleted; deleting any 2 consecutive bases within chr1:150,553,806-150,553,808 gives the same sequence; the c. name uses the placement nearest the transcript's 3' end. VCF-style (leftmost placement, unchanged base first): chr1-150553805-GGT-G. GRCh37 (hg19) VCF-style: chr1-150526281-GGT-G.
Other names: c.816_817del, p.Gly273fs (NM_001288607.2, NM_001288608.2, NM_001378596.1 and 1 more transcripts); short protein forms G273fs.
Identifiers: ClinVar variation 2750874 (VCV002750874.4), dbSNP rs751125855, ClinGen allele CA1078044.

ClinVar aggregate classification (germline): Pathogenic/Likely pathogenic. Review status: criteria provided, multiple submitters, no conflicts (2 of 4 stars). 2 submissions from 2 submitters: Pathogenic (1); Likely pathogenic (1). Last evaluated 2024-09-30.

Conditions:
ADAMTSL4-related disorder. Also called: ADAMTSL4-related condition; ADAMTSL4-Related Disorders.

Submissions (2):

Blueprint Genetics
Classification: Likely pathogenic for ADAMTSL4-related disorders. Last evaluated: 2024-09-30. Review status: criteria provided, single submitter. Criteria: ACMG Guidelines, 2015. Collection method: clinical testing. Allele origin: germline. Affected: yes. Observed: 1 variant allele.

Labcorp Genetics (formerly Invitae), Labcorp
Classification: Pathogenic. Last evaluated: 2023-08-07. Review status: criteria provided, single submitter. Criteria: Invitae Variant Classification Sherloc (09022015). Collection method: clinical testing. Allele origin: germline.
Comment: For these reasons, this variant has been classified as Pathogenic. This variant has not been reported in the literature in individuals affected with ADAMTSL4-related conditions. This variant is present in population databases (rs751125855, gnomAD 0.01%). This sequence change creates a premature translational stop signal (p.Gly273Leufs*27) in the ADAMTSL4 gene. It is expected to result in an absent or disrupted protein product. Loss-of-function variants in ADAMTSL4 are known to be pathogenic (PMID: 20564469, 28642162).

Literature cited by the submitters: PubMed 20564469 (cited by Labcorp Genetics (formerly Invitae), Labcorp); PubMed 28642162 (cited by Labcorp Genetics (formerly Invitae), Labcorp).